The following is an entry in ClinVar:

ClinVar aggregate classification (germline): Uncertain significance (1 of 4 stars; one submission).

Conditions:
Gorlin syndrome. Also called: Nevoid Basal Cell Carcinoma Syndrome; Basal cell nevus syndrome. Identifiers: Orphanet 377, MedGen C0004779, MONDO:0007187.
Medulloblastoma (MDB). Also called: Medulloblastoma, somatic; MEDULLOBLASTOMA PREDISPOSITION SYNDROME. Identifiers: Orphanet 616, MedGen C0025149, MeSH D008527, MONDO:0007959, OMIM 155255, HP:0002885.

gnomAD v4.1: 3 of 1,613,994 alleles (0.00019%); highest among the groups gnomAD compares: Non-Finnish European, 0.00025%; no homozygotes.

Submission:

Labcorp Genetics (formerly Invitae), Labcorp
Classification: Uncertain significance for Gorlin syndrome; Medulloblastoma. Last evaluated: 2024-09-03. Review status: criteria provided, single submitter. Criteria: Invitae Variant Classification Sherloc (09022015). Collection method: clinical testing. Allele origin: germline.
Comment: This sequence change replaces alanine, which is neutral and non-polar, with glycine, which is neutral and non-polar, at codon 36 of the SUFU protein (p.Ala36Gly). This variant is not present in population databases (gnomAD no frequency). This variant has not been reported in the literature in individuals affected with SUFU-related conditions. Invitae Evidence Modeling of protein sequence and biophysical properties (such as structural, functional, and spatial information, amino acid conservation, physicochemical variation, residue mobility, and thermodynamic stability) indicates that this missense variant is not expected to disrupt SUFU protein function with a negative predictive value of 80%. In summary, the available evidence is currently insufficient to determine the role of this variant in disease. Therefore, it has been classified as a Variant of Uncertain Significance.

NM_016169.4(SUFU):c.107C>G (p.Ala36Gly)

Gene: SUFU (SUFU negative regulator of hedgehog signaling; plus strand). Cytogenetic location: 10q24.32.
Variant type: single nucleotide variant.
Coding change: c.107C>G on transcript NM_016169.4 (MANE Select); coding-DNA position 107, C replaced by G.
Protein change: p.Ala36Gly; replaces alanine 36 with glycine.
Molecular consequence: missense variant.
Genome position (GRCh38, 1-based): chr10:102,504,259, C>G. VCF-style: chr10-102504259-C-G. GRCh37 (hg19) VCF-style: chr10-104264016-C-G.
Other names: c.107C>G, p.Ala36Gly (NM_001178133.2); short protein forms A36G.
Identifiers: ClinVar variation 3757947 (VCV003757947.2).